The following is an entry in ClinVar:

ClinVar aggregate classification (germline): Likely pathogenic (1 of 4 stars; one submission).

Conditions:
Adams-Oliver syndrome 5 (AOS5). Identifiers: Orphanet 974, MedGen C4014970, MONDO:0014459, OMIM 616028.

Submission:

Molecular Genetics Laboratory, Motol Hospital
Classification: Likely pathogenic for Adams-Oliver syndrome 5. Last evaluated: 2024-11-06. Review status: criteria provided, single submitter. Criteria: ACMG Guidelines, 2015. Collection method: clinical testing. Allele origin: paternal. Affected: yes. Observed: 2 variant alleles.
Comment: The relevant medical/scientific publications report on families with transmission of causative NOTCH1 gene variants, which provide an evidence of incomplete penetrance and variable expressivity of related phenotypic features (PMID:26299364, 25963545). The truncating variants affecting the NOTCH1 gene are well documented as a molecular cause of Adams-Oliver syndrome 5 for which aplasia cutis congenita is one of main phenotypic features (OMIM:616028). To conclude, the variant is classified as likely pathogenic (ACMG PVS1, PM2).

Literature cited by the submitters: PubMed 25132448; PubMed 26299364; PubMed 25963545.

NM_017617.5(NOTCH1):c.2501_2502insT (p.Ser836fs)

Gene: NOTCH1 (notch receptor 1; minus strand). Cytogenetic location: 9q34.3.
Variant type: Insertion.
Coding change: c.2501_2502insT on transcript NM_017617.5 (MANE Select); coding-DNA positions 2501 to 2502, T inserted.
Protein change: p.Ser836fs; shifts the reading frame from serine 836.
Molecular consequence: frameshift variant.
Genome position: GRCh38 VCF-style: chr9-136511237-G-GA. GRCh37 (hg19) VCF-style: chr9-139405689-G-GA.
Other names: short protein forms S836fs.
Identifiers: ClinVar variation 3374702 (VCV003374702.2).